The following is an entry in ClinVar:

ClinVar aggregate classification (germline): Uncertain significance (1 of 4 stars; one submission).

Allele frequency attached by ClinVar (database versions not stated): gnomAD exomes below 0.00001; gnomAD 0.00001.
gnomAD v4.1: 3 of 1,614,058 alleles (0.00019%); highest among the groups gnomAD compares: African/African-American, 0.0027%; no homozygotes.

Submission:

Labcorp Genetics (formerly Invitae), Labcorp
Classification: Uncertain significance. Last evaluated: 2020-10-08. Review status: criteria provided, single submitter. Criteria: Invitae Variant Classification Sherloc (09022015). Collection method: clinical testing. Allele origin: germline.
Comment: In summary, the available evidence is currently insufficient to determine the role of this variant in disease. Therefore, it has been classified as a Variant of Uncertain Significance. Experimental studies and prediction algorithms are not available or were not evaluated, and the functional significance of this variant is currently unknown. This variant has not been reported in the literature in individuals with MAK-related conditions. This variant is not present in population databases (ExAC no frequency). This sequence change replaces valine with alanine at codon 580 of the MAK protein (p.Val580Ala). The valine residue is moderately conserved and there is a small physicochemical difference between valine and alanine.

NM_001242957.3(MAK):c.1739T>C (p.Val580Ala)

Gene: MAK (male germ cell associated kinase; minus strand). Cytogenetic location: 6p24.2.
Variant type: single nucleotide variant.
Coding change: c.1739T>C on transcript NM_001242957.3 (MANE Select); coding-DNA position 1739, T replaced by C.
Protein change: p.Val580Ala; replaces valine 580 with alanine.
Molecular consequence: missense variant. On other transcripts: non-coding transcript variant (2), intron variant (2).
Genome position (GRCh38, 1-based): chr6:10,770,164, A>G on the plus strand (T>C on the coding strand, the complement: MAK is on the minus strand). VCF-style: chr6-10770164-A-G. GRCh37 (hg19) VCF-style: chr6-10770397-A-G.
Other names: c.1664T>C, p.Val555Ala (NM_005906.6); c.1495+5164T>C (NM_001377262.1); c.1597+5164T>C (NM_001242385.2); short protein forms V555A, V580A.
Identifiers: ClinVar variation 1059390 (VCV001059390.7), dbSNP rs1772870080, ClinGen allele CA362714457.